The following is an entry in ClinVar:

ClinVar aggregate classification (germline): Uncertain significance (1 of 4 stars; one submission).

gnomAD v4.1: 2 of 1,559,224 alleles (0.00013%); highest among the groups gnomAD compares: East Asian, 0.0024%; no homozygotes.

Submission:

Labcorp Genetics (formerly Invitae), Labcorp
Classification: Uncertain significance. Last evaluated: 2024-04-17. Review status: criteria provided, single submitter. Criteria: Invitae Variant Classification Sherloc (09022015). Collection method: clinical testing. Allele origin: germline.
Comment: This sequence change affects codon 288 of the SOX11 mRNA. It is a 'silent' change, meaning that it does not change the encoded amino acid sequence of the SOX11 protein. This variant is not present in population databases (gnomAD no frequency). This variant has not been reported in the literature in individuals affected with SOX11-related conditions. In summary, the available evidence is currently insufficient to determine the role of this variant in disease. Therefore, it has been classified as a Variant of Uncertain Significance.

NM_003108.4(SOX11):c.864C>T (p.Pro288=)

Gene: SOX11 (SRY-box transcription factor 11; plus strand). Cytogenetic location: 2p25.2.
Variant type: single nucleotide variant.
Coding change: c.864C>T on transcript NM_003108.4 (MANE Select); coding-DNA position 864, C replaced by T.
Protein change: p.Pro288=; no amino-acid change (proline 288 retained).
Molecular consequence: synonymous variant.
Genome position (GRCh38, 1-based): chr2:5,693,585, C>T. VCF-style: chr2-5693585-C-T. GRCh37 (hg19) VCF-style: chr2-5833717-C-T.
Identifiers: ClinVar variation 3718301 (VCV003718301.2).